The following is an entry in ClinVar:

NM_000535.7(PMS2):c.404T>G (p.Leu135Arg)

Gene: PMS2 (PMS1 homolog 2, mismatch repair system component; minus strand). Cytogenetic location: 7p22.1.
Variant type: single nucleotide variant.
Coding change: c.404T>G on transcript NM_000535.7 (MANE Select); coding-DNA position 404, T replaced by G.
Protein change: p.Leu135Arg; replaces leucine 135 with arginine.
Molecular consequence: missense variant. On other transcripts: 5 prime UTR variant (29), non-coding transcript variant (1), intron variant (1).
Genome position (GRCh38, 1-based): chr7:6,002,586, A>C on the plus strand (T>G on the coding strand, the complement: PMS2 is on the minus strand). VCF-style: chr7-6002586-A-C. GRCh37 (hg19) VCF-style: chr7-6042217-A-C.
Other names: c.404T>G, p.Leu135Arg (NM_001406874.1, NM_001406912.1, NM_001322006.2 and 8 more transcripts); c.95T>G, p.Leu32Arg (NM_001406875.1, NM_001406877.1, NM_001406878.1 and 6 more transcripts); c.86T>G, p.Leu29Arg (NM_001406876.1, NM_001406901.1, NM_001406902.1 and 4 more transcripts); c.-2T>G (NM_001406897.1, NM_001406898.1, NM_001406899.1 and 25 more transcripts); c.250+1386T>G (NM_001406885.1); c.-481T>G (NM_001322011.2, NM_001322012.2); c.590T>G, p.Leu197Arg (NM_001406866.1); c.428T>G, p.Leu143Arg (NM_001406868.1); short protein forms L135R, L197R, L143R, L29R, L32R.
Identifiers: ClinVar variation 1737361 (VCV001737361.2), dbSNP rs2128818545, ClinGen allele CA366744421.

ClinVar aggregate classification (germline): Uncertain significance (1 of 4 stars; one submission).

Conditions:
Hereditary cancer-predisposing syndrome. Also called: Neoplastic Syndromes, Hereditary; Tumor predisposition; Hereditary Cancer Syndrome; Hereditary neoplastic syndrome. Identifiers: Orphanet 140162, MedGen C0027672, MeSH D009386, MONDO:0015356.

Submission:

Ambry Genetics
Classification: Uncertain significance for Hereditary cancer-predisposing syndrome. Last evaluated: 2019-10-17. Review status: criteria provided, single submitter. Criteria: Ambry Variant Classification Scheme 2023. Collection method: clinical testing. Allele origin: germline.
Comment: The p.L135R variant (also known as c.404T>G), located in coding exon 5 of the PMS2 gene, results from a T to G substitution at nucleotide position 404. The leucine at codon 135 is replaced by arginine, an amino acid with dissimilar properties. This amino acid position is highly conserved in available vertebrate species. In addition, this alteration is predicted to be deleterious by in silico analysis. Since supporting evidence is limited at this time, the clinical significance of this alteration remains unclear.